The following is an entry in ClinVar:

NM_004974.4(KCNA2):c.1202C>T (p.Thr401Ile)

Gene: KCNA2 (potassium voltage-gated channel subfamily A member 2; minus strand). Cytogenetic location: 1p13.3.
Variant type: single nucleotide variant.
Coding change: c.1202C>T on transcript NM_004974.4 (MANE Select); coding-DNA position 1202, C replaced by T.
Protein change: p.Thr401Ile; replaces threonine 401 with isoleucine.
Molecular consequence: missense variant. On other transcripts: intron variant (1).
Genome position (GRCh38, 1-based): chr1:110,603,581, G>A on the plus strand (C>T on the coding strand, the complement: KCNA2 is on the minus strand). VCF-style: chr1-110603581-G-A. GRCh37 (hg19) VCF-style: chr1-111146203-G-A.
Other names: c.894+308C>T (NM_001204269.2); short protein forms T401I.
Identifiers: ClinVar variation 430391 (VCV000430391.3), dbSNP rs1131691939, ClinGen allele CA341601349.

ClinVar aggregate classification (germline): Pathogenic (1 of 4 stars; one submission).

Submission:

GeneDx
Classification: Pathogenic. Last evaluated: 2021-06-25. Review status: criteria provided, single submitter. Criteria: GeneDx Variant Classification Process June 2021. Collection method: clinical testing. Allele origin: germline. Affected: yes.
Comment: Not observed at significant frequency in large population cohorts (Lek et al., 2016); In silico analysis supports that this missense variant has a deleterious effect on protein structure/function; This variant is associated with the following publications: (PMID: 33802230, 29314583, 27535533)